The following is an entry in ClinVar:

NM_012330.4(KAT6B):c.4737C>T (p.Asp1579=)

Gene: KAT6B (lysine acetyltransferase 6B; plus strand). Cytogenetic location: 10q22.2.
Variant type: single nucleotide variant.
Coding change: c.4737C>T on transcript NM_012330.4 (MANE Select); coding-DNA position 4737, C replaced by T.
Protein change: p.Asp1579=; no amino-acid change (aspartic acid 1579 retained).
Molecular consequence: synonymous variant.
Genome position (GRCh38, 1-based): chr10:75,029,561, C>T. VCF-style: chr10-75029561-C-T. GRCh37 (hg19) VCF-style: chr10-76789319-C-T.
Other names: c.4737C>T (NM_012330.3); c.4188C>T, p.Asp1396= (NM_001256468.2, NM_001370138.1); c.3861C>T, p.Asp1287= (NM_001256469.2, NM_001370139.1, NM_001370140.1 and 2 more transcripts); c.3699C>T, p.Asp1233= (NM_001370132.1); c.3048C>T, p.Asp1016= (NM_001370133.1); c.2652C>T, p.Asp884= (NM_001370134.1); c.2394C>T, p.Asp798= (NM_001370135.1); c.4737C>T, p.Asp1579= (NM_001370136.1, NM_001370137.1); and 1 more.
Identifiers: ClinVar variation 2719775 (VCV002719775.6), dbSNP rs576647301, ClinGen allele CA5565086.

ClinVar aggregate classification (germline): Likely benign. Review status: criteria provided, multiple submitters, no conflicts (2 of 4 stars). 3 submissions from 3 submitters: Likely benign (2). 1 of the submissions does not count toward it. Last evaluated 2025-12-21.

Conditions:
Genitopatellar syndrome (GTPTS). Also called: Genitopatellar syndrome (GPS); ABSENT PATELLAE, SCROTAL HYPOPLASIA, RENAL ANOMALIES, FACIAL DYSMORPHISM, AND MENTAL RETARDATION. Identifiers: Orphanet 85201, MedGen C1853566, MONDO:0011640, OMIM 606170.
KAT6B-related disorder. Also called: KAT6B-related disorders; KAT6B-related condition.

Allele frequency attached by ClinVar (database versions not stated): ExAC 0.00004; gnomAD 0.00009; TOPMed 0.00014; 1000 Genomes Project 30x 0.00016; 1000 Genomes Project 0.00020.
gnomAD v4.1: 24 of 1,614,126 alleles (0.0015%); highest among the groups gnomAD compares: African/African-American, 0.029%; no homozygotes.

Submissions (3):

Labcorp Genetics (formerly Invitae), Labcorp
Classification: Likely benign for Genitopatellar syndrome. Last evaluated: 2025-12-21. Review status: criteria provided, single submitter. Criteria: Invitae Variant Classification Sherloc (09022015). Collection method: clinical testing. Allele origin: germline.

Blueprint Genetics
Classification: Likely benign. Last evaluated: 2022-03-11. Review status: criteria provided, single submitter. Criteria: ACMG Guidelines, 2015. Collection method: clinical testing. Allele origin: germline.

PreventionGenetics, part of Exact Sciences
Classification: Likely benign for KAT6B-related condition. Last evaluated: 2021-02-10. Review status: no assertion criteria provided. Collection method: clinical testing. Allele origin: germline. Not counted in ClinVar's aggregate classification.
Comment: This variant is classified as likely benign based on ACMG/AMP sequence variant interpretation guidelines (Richards et al. 2015 PMID: 25741868, with internal and published modifications).